The following is an entry in ClinVar:

NM_173630.4(RTTN):c.322A>G (p.Ile108Val)

Gene: RTTN (rotatin; minus strand). Cytogenetic location: 18q22.2.
Variant type: single nucleotide variant.
Coding change: c.322A>G on transcript NM_173630.4 (MANE Select); coding-DNA position 322, A replaced by G.
Protein change: p.Ile108Val; replaces isoleucine 108 with valine.
Molecular consequence: missense variant. On other transcripts: 5 prime UTR variant (1).
Genome position (GRCh38, 1-based): chr18:70,204,161, T>C on the plus strand (A>G on the coding strand, the complement: RTTN is on the minus strand). VCF-style: chr18-70204161-T-C. GRCh37 (hg19) VCF-style: chr18-67871397-T-C.
Other names: c.-2232A>G (NM_001318520.2); short protein forms I108V.
Identifiers: ClinVar variation 1524865 (VCV001524865.8), dbSNP rs375272609, ClinGen allele CA8996522.
Genomic context (GRCh38, chr18:70,204,161, plus strand): 5'-GGTATGAGGCAGAAGATAGTGCAGGAACTTCCGAAGGAAGAAGAAAAAGTCCATCCAGAA[T>C]GCCATCAATTTCAGCCTGCAGATTTGGCTCCACATTAGACCGAAGCTTAGATAAGAACTC-3'
Protein context (NP_775901.3, residues 98-118): EPNLQAEIDG[Ile108Val]LDGLFLLPSE

ClinVar aggregate classification (germline): Uncertain significance (1 of 4 stars; one submission).

Allele frequency attached by ClinVar (database versions not stated): TOPMed 0.00001; gnomAD 0.00002 and 0.00003; ExAC 0.00005; gnomAD exomes 0.00006 and 0.00008; ESP Exome Variant Server 0.00008.
gnomAD v4.1: 126 of 1,614,088 alleles (0.0078%); highest among the groups gnomAD compares: Middle Eastern, 0.033%; 1 homozygote.

Submission:

Labcorp Genetics (formerly Invitae), Labcorp
Classification: Uncertain significance. Last evaluated: 2022-01-27. Review status: criteria provided, single submitter. Criteria: Invitae Variant Classification Sherloc (09022015). Collection method: clinical testing. Allele origin: germline.
Comment: Algorithms developed to predict the effect of missense changes on protein structure and function output the following: SIFT: "Deleterious"; PolyPhen-2: "Possibly Damaging"; Align-GVGD: "Class C0". The valine amino acid residue is found in multiple mammalian species, which suggests that this missense change does not adversely affect protein function. This sequence change replaces isoleucine, which is neutral and non-polar, with valine, which is neutral and non-polar, at codon 108 of the RTTN protein (p.Ile108Val). This variant is present in population databases (rs375272609, gnomAD 0.01%). This variant has not been reported in the literature in individuals affected with RTTN-related conditions. In summary, the available evidence is currently insufficient to determine the role of this variant in disease. Therefore, it has been classified as a Variant of Uncertain Significance.